The following is an entry in ClinVar:

ClinVar aggregate classification (germline): Likely benign (1 of 4 stars; one submission).

Conditions:
CDH23-related disorder. Also called: CDH23-related disorders; CDH23-related condition.

gnomAD v4.1: 1 of 1,606,958 alleles (0.000062%); highest among the groups gnomAD compares: Non-Finnish European, 0.000085%; no homozygotes.

Submission:

PreventionGenetics, part of Exact Sciences
Classification: Likely benign for CDH23-related condition. Last evaluated: 2026-05-15. Review status: criteria provided, single submitter. Criteria: ACMG Guidelines, 2015. Collection method: clinical testing. Allele origin: germline.
Comment: This variant is classified as likely benign based on ACMG/AMP sequence variant interpretation guidelines (Richards et al. 2015 PMID: 25741868, with internal and published modifications).

NM_022124.6(CDH23):c.3012G>T (p.Val1004=)

Gene: CDH23 (cadherin related 23; plus strand). Cytogenetic location: 10q22.1.
Variant type: single nucleotide variant.
Coding change: c.3012G>T on transcript NM_022124.6 (MANE Select); coding-DNA position 3012, G replaced by T.
Protein change: p.Val1004=; no amino-acid change (valine 1004 retained).
Molecular consequence: synonymous variant.
Genome position (GRCh38, 1-based): chr10:71,706,955, G>T. VCF-style: chr10-71706955-G-T. GRCh37 (hg19) VCF-style: chr10-73466712-G-T.
Other names: c.3012G>T, p.Val1004= (NM_001171930.2, NM_001171931.2).
Identifiers: ClinVar variation 4991939 (VCV004991939.1).